The following is an entry in ClinVar:

NM_015100.4(POGZ):c.2323_2324del (p.Leu775fs)

Gene: POGZ (pogo transposable element derived with ZNF domain; minus strand). Cytogenetic location: 1q21.3.
Variant type: Microsatellite.
Coding change: c.2323_2324del on transcript NM_015100.4 (MANE Select); coding-DNA positions 2323 to 2324, 2 bases deleted (CT; older notation c.2323_2324delCT).
Protein change: p.Leu775fs; shifts the reading frame from leucine 775.
Molecular consequence: frameshift variant.
Genome position (GRCh38, 1-based): chr1:151,408,151-151,408,152, AG deleted on the plus strand (CT on the coding strand, the reverse complement: POGZ is on the minus strand); deleting any 2 consecutive bases within chr1:151,408,151-151,408,156 gives the same sequence; the c. name uses the placement nearest the transcript's 3' end. VCF-style (leftmost placement, unchanged base first): chr1-151408150-CAG-C. GRCh37 (hg19) VCF-style: chr1-151380626-CAG-C.
Other names: c.2296_2297del, p.Leu766fs (NM_001194937.2); c.2137_2138del, p.Leu713fs (NM_001194938.2); c.2344_2345del, p.Leu782fs (NM_001410860.1); c.2038_2039del, p.Leu680fs (NM_145796.4); c.2164_2165del, p.Leu722fs (NM_207171.2); c.2323_2324delCT (NM_015100.4); short protein forms L680fs, L713fs, L722fs, L766fs, L775fs, L782fs.
Identifiers: ClinVar variation 3899241 (VCV003899241.2).

ClinVar aggregate classification (germline): Pathogenic. Review status: criteria provided, single submitter (1 of 4 stars). 2 submissions from 2 submitters: Pathogenic (1). 1 of the submissions does not count toward it. Last evaluated 2025-05-12.

Conditions:
Intellectual disability-microcephaly-strabismus-behavioral abnormalities syndrome. Also called: White-Sutton Syndrome. Identifiers: Orphanet 468678, MedGen C4225351, MONDO:0014606, OMIM 616364.
Autism spectrum disorder. Also called: Autism spectrum disorders. Identifiers: MedGen C1510586, MeSH D000067877, MONDO:0005258.

Submissions (2):

Oasi Research Institute-IRCCS
Classification: Pathogenic for Autism spectrum disorder. Last evaluated: 2025-05-12. Review status: criteria provided, single submitter. Criteria: ACMG Guidelines, 2015. Collection method: clinical testing. Allele origin: de novo. Inheritance: Autosomal dominant inheritance. Affected: yes. Observed: 1 heterozygote.
Comment: This de novo variant classified as pathogenic according to the ACMG criteria PVS1 and PM2.

Diagnostics Centre, Carl Von Ossietzky University Oldenburg
Classification: Likely pathogenic for Intellectual disability-microcephaly-strabismus-behavioral abnormalities syndrome. Last evaluated: 2025-03-14. Review status: no assertion criteria provided. Collection method: clinical testing. Allele origin: germline. Affected: yes. Observed: 1 variant allele. Not counted in ClinVar's aggregate classification.
Comment: The variant POGZ:c.2323_2324del p.Leu775Valfs*4 change results in a frameshift at protein position 775 and the formation of a premature stop codon after four amino acids. The variant affects an exon [15/19] present in a biologically relevant transcript and is predicted to cause protein truncation/absent due to nonsense mediated decay in a gene where loss-of-function is a known mechanism of disease. The variant has not yet been described in ClinVar or any other scientific publication known to us. Nonetheless, the position overlaps with another frameshift variant (c.2321_2324del; rs864321671) that has been described three times as pathogenic in Clinvar (ClinVar ID: 218146). The variant is classified as very rare since it is absent in gnomAD v4.1.0. In summary, the variant is classified as Likely pathogenic.